The following is an entry in ClinVar:

NM_001377137.1(GBF1):c.1770G>T (p.Glu590Asp)

Gene: GBF1 (golgi brefeldin A resistant guanine nucleotide exchange factor 1; plus strand). Cytogenetic location: 10q24.32.
Variant type: single nucleotide variant.
Coding change: c.1770G>T on transcript NM_001377137.1 (MANE Select); coding-DNA position 1770, G replaced by T.
Protein change: p.Glu590Asp; replaces glutamic acid 590 with aspartic acid.
Molecular consequence: missense variant. On other transcripts: non-coding transcript variant (5).
Genome position (GRCh38, 1-based): chr10:102,362,558, G>T. VCF-style: chr10-102362558-G-T. GRCh37 (hg19) VCF-style: chr10-104122315-G-T.
Other names: c.1770G>T, p.Glu590Asp (NM_001199378.2, NM_001391923.1, NM_001391926.1); c.1767G>T, p.Glu589Asp (NM_001199379.2, NM_001377138.1, NM_001377141.1 and 7 more transcripts); c.1473G>T, p.Glu491Asp (NM_001377139.1, NM_001377140.1); c.1866G>T, p.Glu622Asp (NM_001391922.1, NM_001411027.1); c.1389G>T, p.Glu463Asp (NM_001391931.1); c.1842G>T, p.Glu614Asp (NM_001411003.1); short protein forms E463D, E491D, E589D, E590D, E614D, E622D.
Identifiers: ClinVar variation 5041610 (VCV005041610.1).
Genomic context (GRCh38, chr10:102,362,558, plus strand): 5'-ACTCTATACAACACACCTACTATCTCTTGATGCCCTATTGACAGTGATTGACAGCACCGA[G>T]GCCCACTGCCAGGCTAAAGTCCTCAACAGCCTCACCCAGCAAGAGAAGAAGGAGACAGCC-3'
Protein context (NP_001364066.1, residues 580-600): DALLTVIDST[Glu590Asp]AHCQAKVLNS

ClinVar aggregate classification (germline): Uncertain significance (1 of 4 stars; one submission).

Submission:

CeGaT Center for Human Genetics Tuebingen
Classification: Uncertain significance. Last evaluated: 2026-09-01. Review status: criteria provided, single submitter. Criteria: CeGaT Center For Human Genetics Tuebingen Variant Classification Criteria Version 2. Collection method: clinical testing. Allele origin: germline. Affected: yes. Observed: 1 variant allele.
Comment: GBF1: PM2